The following is an entry in ClinVar:

ClinVar aggregate classification (germline): Uncertain significance. Review status: criteria provided, multiple submitters, no conflicts (2 of 4 stars). 2 submissions from 2 submitters: Uncertain significance (2). Last evaluated 2025-03-31.

Conditions:
Mucopolysaccharidosis, MPS-III-D (MPS3D). Also called: Mucopoly-saccharidosis type 3D; N-acetylglucosamine-6-sulfate sulfatase deficiency; MPS 3D; MPS IIID (Sanfilippo Syndrome Type D); MUCOPOLYSACCHARIDOSIS, TYPE IIID; N-ACETYLGLUCOSAMINE-6-SULFATASE DEFICIENCY. Identifiers: Orphanet 581, Orphanet 79272, MedGen C0086650, MONDO:0009658, OMIM 252940.
Inborn genetic diseases. Identifiers: MedGen C0950123, MeSH D030342.

Allele frequency attached by ClinVar (database versions not stated): ExAC 0.00002; gnomAD 0.00007 and 0.00008; TOPMed 0.00007; ESP Exome Variant Server 0.00008; gnomAD exomes 0.00001; 1000 Genomes Project 30x 0.00016; 1000 Genomes Project 0.00020.
gnomAD v4.1: 28 of 1,608,130 alleles (0.0017%); highest among the groups gnomAD compares: African/African-American, 0.037%; no homozygotes.

Submissions (2):

Labcorp Genetics (formerly Invitae), Labcorp
Classification: Uncertain significance for Mucopolysaccharidosis, MPS-III-D. Last evaluated: 2025-03-31. Review status: criteria provided, single submitter. Criteria: Invitae Variant Classification Sherloc (09022015). Collection method: clinical testing. Allele origin: germline.
Comment: This sequence change replaces tyrosine, which is neutral and polar, with cysteine, which is neutral and slightly polar, at codon 528 of the GNS protein (p.Tyr528Cys). This variant is present in population databases (rs138355639, gnomAD 0.03%). This variant has not been reported in the literature in individuals affected with GNS-related conditions. ClinVar contains an entry for this variant (Variation ID: 1353851). An algorithm developed to predict the effect of missense changes on protein structure and function (PolyPhen-2) suggests that this variant is likely to be disruptive. In summary, the available evidence is currently insufficient to determine the role of this variant in disease. Therefore, it has been classified as a Variant of Uncertain Significance.

Ambry Genetics
Classification: Uncertain significance for Inborn genetic diseases. Last evaluated: 2020-11-09. Review status: criteria provided, single submitter. Criteria: Ambry Variant Classification Scheme 2023. Collection method: clinical testing. Allele origin: germline.
Comment: The c.1583A>G (p.Y528C) alteration is located in exon 14 (coding exon 14) of the GNS gene. This alteration results from an A to G substitution at nucleotide position 1583, causing the tyrosine (Y) at amino acid position 528 to be replaced by a cysteine (C). Based on data from the Genome Aggregation Database (gnomAD) database, the GNS c.1583A>G alteration was observed in <0.01% (7/280540) of total alleles studied, with a frequency of 0.03% (7/24960) in the African subpopulation. This amino acid position is highly conserved in available vertebrate species. The in silico prediction for the p.Y528C alteration is inconclusive. Based on insufficient or conflicting evidence, the clinical significance of this alteration remains unclear.

NM_002076.4(GNS):c.1583A>G (p.Tyr528Cys)

Gene: GNS (glucosamine (N-acetyl)-6-sulfatase; minus strand). Cytogenetic location: 12q14.3.
Variant type: single nucleotide variant.
Coding change: c.1583A>G on transcript NM_002076.4 (MANE Select); coding-DNA position 1583, A replaced by G.
Protein change: p.Tyr528Cys; replaces tyrosine 528 with cysteine.
Molecular consequence: missense variant.
Genome position (GRCh38, 1-based): chr12:64,716,817, T>C on the plus strand (A>G on the coding strand, the complement: GNS is on the minus strand). VCF-style: chr12-64716817-T-C. GRCh37 (hg19) VCF-style: chr12-65110597-T-C.
Other names: c.1583A>G (NM_002076.3); short protein forms Y528C.
Identifiers: ClinVar variation 1353851 (VCV001353851.6), dbSNP rs138355639, ClinGen allele CA6669627.